The following is an entry in ClinVar:

ClinVar aggregate classification (germline): Uncertain significance (1 of 4 stars; one submission).

Submission:

Labcorp Genetics (formerly Invitae), Labcorp
Classification: Uncertain significance. Last evaluated: 2024-07-01. Review status: criteria provided, single submitter. Criteria: Invitae Variant Classification Sherloc (09022015). Collection method: clinical testing. Allele origin: germline.
Comment: This sequence change replaces lysine, which is basic and polar, with asparagine, which is neutral and polar, at codon 188 of the FARSB protein (p.Lys188Asn). This variant is not present in population databases (gnomAD no frequency). This variant has not been reported in the literature in individuals affected with FARSB-related conditions. ClinVar contains an entry for this variant (Variation ID: 1975355). Advanced modeling of protein sequence and biophysical properties (such as structural, functional, and spatial information, amino acid conservation, physicochemical variation, residue mobility, and thermodynamic stability) performed at Invitae indicates that this missense variant is not expected to disrupt FARSB protein function with a negative predictive value of 80%. In summary, the available evidence is currently insufficient to determine the role of this variant in disease. Therefore, it has been classified as a Variant of Uncertain Significance.

NM_005687.5(FARSB):c.564G>T (p.Lys188Asn)

Gene: FARSB (phenylalanyl-tRNA synthetase subunit beta; minus strand). Cytogenetic location: 2q36.1.
Variant type: single nucleotide variant.
Coding change: c.564G>T on transcript NM_005687.5 (MANE Select); coding-DNA position 564, G replaced by T.
Protein change: p.Lys188Asn; replaces lysine 188 with asparagine.
Molecular consequence: missense variant. On other transcripts: non-coding transcript variant (1).
Genome position (GRCh38, 1-based): chr2:222,634,433, C>A on the plus strand (G>T on the coding strand, the complement: FARSB is on the minus strand). VCF-style: chr2-222634433-C-A. GRCh37 (hg19) VCF-style: chr2-223499152-C-A.
Other names: short protein forms K188N.
Identifiers: ClinVar variation 1975355 (VCV001975355.5), dbSNP rs2469435299, ClinGen allele CA350816196.